The following is an entry in ClinVar:

NM_178862.3(STT3B):c.1900-17T>G

Gene: STT3B (STT3 oligosaccharyltransferase complex catalytic subunit B; plus strand). Cytogenetic location: 3p23.
Variant type: single nucleotide variant.
Coding change: c.1900-17T>G on transcript NM_178862.3 (MANE Select); 17 bases into the intron before coding-DNA position 1900, T replaced by G.
Molecular consequence: intron variant.
Genome position (GRCh38, 1-based): chr3:31,625,937, T>G. VCF-style: chr3-31625937-T-G. GRCh37 (hg19) VCF-style: chr3-31667429-T-G.
Identifiers: ClinVar variation 387258 (VCV000387258.1), dbSNP rs771002138, ClinGen allele CA2295311.

ClinVar aggregate classification (germline): Likely benign (1 of 4 stars; one submission).

Allele frequency attached by ClinVar (database versions not stated): gnomAD exomes below 0.00001 and 0.00001; ExAC 0.00001.
gnomAD v4.1: 10 of 1,558,576 alleles (0.00064%); highest among the groups gnomAD compares: Admixed American, 0.0021%; no homozygotes.

Submission:

GeneDx
Classification: Likely benign. Last evaluated: 2016-07-15. Review status: criteria provided, single submitter. Criteria: GeneDx Variant Classification (06012015). Collection method: clinical testing. Allele origin: germline. Affected: yes.
Comment: This variant is considered likely benign or benign based on one or more of the following criteria: it is a conservative change, it occurs at a poorly conserved position in the protein, it is predicted to be benign by multiple in silico algorithms, and/or has population frequency not consistent with disease.